The following is an entry in ClinVar:

ClinVar aggregate classification (germline): Uncertain significance. Review status: criteria provided, multiple submitters, no conflicts (2 of 4 stars). 3 submissions from 3 submitters: Uncertain significance (3). Last evaluated 2026-01-27.

Conditions:
SNRNP200-related disorder. Also called: SNRNP200-related condition.

Allele frequency attached by ClinVar (database versions not stated): gnomAD 0.00001; ExAC 0.00002; TOPMed 0.00002; gnomAD exomes 0.00004 and 0.00009; ESP Exome Variant Server 0.00008.
gnomAD v4.1: 128 of 1,614,002 alleles (0.0079%); highest among the groups gnomAD compares: Non-Finnish European, 0.011%; no homozygotes.

Submissions (3):

PreventionGenetics, part of Exact Sciences
Classification: Uncertain significance for SNRNP200-related condition. Last evaluated: 2026-01-27. Review status: criteria provided, single submitter. Criteria: ACMG Guidelines, 2015. Collection method: clinical testing. Allele origin: germline.
Comment: The SNRNP200 c.4981G>T variant is predicted to result in the amino acid substitution p.Val1661Leu. To our knowledge, this variant has not been reported in the literature. This variant is present in 0.0070% of alleles in individuals of European (Non-Finnish) descent in gnomAD. At this time, the clinical significance of this variant is uncertain due to the absence of conclusive functional and genetic evidence.

Blueprint Genetics
Classification: Uncertain significance. Last evaluated: 2024-03-12. Review status: criteria provided, single submitter. Criteria: ACMG Guidelines, 2015. Collection method: clinical testing. Allele origin: germline.

Labcorp Genetics (formerly Invitae), Labcorp
Classification: Uncertain significance. Last evaluated: 2023-12-10. Review status: criteria provided, single submitter. Criteria: Invitae Variant Classification Sherloc (09022015). Collection method: clinical testing. Allele origin: germline.
Comment: This sequence change replaces valine, which is neutral and non-polar, with leucine, which is neutral and non-polar, at codon 1661 of the SNRNP200 protein (p.Val1661Leu). This variant is present in population databases (rs376199066, gnomAD 0.007%). This variant has not been reported in the literature in individuals affected with SNRNP200-related conditions. ClinVar contains an entry for this variant (Variation ID: 1374932). Advanced modeling of protein sequence and biophysical properties (such as structural, functional, and spatial information, amino acid conservation, physicochemical variation, residue mobility, and thermodynamic stability) performed at Invitae indicates that this missense variant is expected to disrupt SNRNP200 protein function with a positive predictive value of 80%. In summary, the available evidence is currently insufficient to determine the role of this variant in disease. Therefore, it has been classified as a Variant of Uncertain Significance.

NM_014014.5(SNRNP200):c.4981G>T (p.Val1661Leu)

Gene: SNRNP200 (small nuclear ribonucleoprotein U5 subunit 200; minus strand). Cytogenetic location: 2q11.2.
Variant type: single nucleotide variant.
Coding change: c.4981G>T on transcript NM_014014.5 (MANE Select); coding-DNA position 4981, G replaced by T.
Protein change: p.Val1661Leu; replaces valine 1661 with leucine.
Molecular consequence: missense variant.
Genome position (GRCh38, 1-based): chr2:96,281,857, C>A on the plus strand (G>T on the coding strand, the complement: SNRNP200 is on the minus strand). VCF-style: chr2-96281857-C-A. GRCh37 (hg19) VCF-style: chr2-96947595-C-A.
Other names: c.4981G>T (NM_014014.4); short protein forms V1661L.
Identifiers: ClinVar variation 1374932 (VCV001374932.8), dbSNP rs376199066, ClinGen allele CA1778068.